The following is an entry in ClinVar:

NM_000138.5(FBN1):c.6496+3G>A

Gene: FBN1 (fibrillin 1; minus strand). Cytogenetic location: 15q21.1.
Variant type: single nucleotide variant.
Coding change: c.6496+3G>A on transcript NM_000138.5 (MANE Select); 3 bases into the intron after coding-DNA position 6496, G replaced by A.
Molecular consequence: intron variant.
Genome position (GRCh38, 1-based): chr15:48,436,958, C>T on the plus strand (G>A on the coding strand, the complement: FBN1 is on the minus strand). VCF-style: chr15-48436958-C-T. GRCh37 (hg19) VCF-style: chr15-48729155-C-T.
Identifiers: ClinVar variation 1171123 (VCV001171123.12), dbSNP rs750222196, ClinGen allele CA056872.

ClinVar aggregate classification (germline): Uncertain significance. Review status: criteria provided, multiple submitters, no conflicts (2 of 4 stars). 3 submissions from 3 submitters: Uncertain significance (3). Last evaluated 2025-07-02.

Conditions:
Marfan syndrome (MFS). Also called: Marfan syndrome type 1; Marfan's syndrome; Marfan syndrome, classic; MARFAN SYNDROME, TYPE I; FBN1-Related Marfan Syndrome. Identifiers: Orphanet 284963, Orphanet 558, MedGen C0024796, MONDO:0007947, OMIM 154700.
Familial thoracic aortic aneurysm and aortic dissection (TAAD). Also called: Thoracic aortic aneurysms and dissections. Identifiers: Orphanet 91387, MedGen C4707243, MONDO:0019625.

Allele frequency attached by ClinVar (database versions not stated): gnomAD 0.00001; gnomAD exomes below 0.00001; ExAC 0.00001; TOPMed 0.00001.
gnomAD v4.1: 10 of 1,550,854 alleles (0.00064%); highest among the groups gnomAD compares: Non-Finnish European, 0.00089%; no homozygotes.

Submissions (3):

Color Diagnostics, LLC DBA Color Health
Classification: Uncertain significance for Familial thoracic aortic aneurysm and aortic dissection. Last evaluated: 2025-07-02. Review status: criteria provided, single submitter. Criteria: ACMG Guidelines, 2015. Collection method: clinical testing. Allele origin: germline.
Comment: This variant causes a G to A nucleotide substitution at the +3 position of intron 53 of the FBN1 gene. To our knowledge, functional studies have not been reported for this variant. This variant has not been reported in individuals affected with FBN1-related disorders in the literature. This variant has been identified in 2/282258 chromosomes in the general population by the Genome Aggregation Database (gnomAD). The available evidence is insufficient to determine the role of this variant in disease conclusively. Therefore, this variant is classified as a Variant of Uncertain Significance.

Labcorp Genetics (formerly Invitae), Labcorp
Classification: Uncertain significance for Marfan syndrome; Familial thoracic aortic aneurysm and aortic dissection. Last evaluated: 2025-05-19. Review status: criteria provided, single submitter. Criteria: Invitae Variant Classification Sherloc (09022015). Collection method: clinical testing. Allele origin: germline.
Comment: This sequence change falls in intron 53 of the FBN1 gene. It does not directly change the encoded amino acid sequence of the FBN1 protein. It affects a nucleotide within the consensus splice site. This variant is present in population databases (rs750222196, gnomAD 0.002%). This variant has not been reported in the literature in individuals affected with FBN1-related conditions. ClinVar contains an entry for this variant (Variation ID: 1171123). Variants that disrupt the consensus splice site are a relatively common cause of aberrant splicing (PMID: 17576681, 9536098). Algorithms developed to predict the effect of sequence changes on RNA splicing suggest that this variant is not likely to affect RNA splicing. In summary, the available evidence is currently insufficient to determine the role of this variant in disease. Therefore, it has been classified as a Variant of Uncertain Significance.

All of Us Research Program, National Institutes of Health
Classification: Uncertain significance for Marfan syndrome. Last evaluated: 2023-05-08. Review status: criteria provided, single submitter. Criteria: ACMG Guidelines, 2015. Collection method: clinical testing. Allele origin: germline. Inheritance: Autosomal dominant inheritance. Observed: 3 variant alleles, 3 heterozygotes.
Comment: This variant causes a G to A nucleotide substitution at the +3 position of intron 53 of the FBN1 gene. To our knowledge, functional studies have not been reported for this variant. This variant has not been reported in individuals affected with cardiovascular disorders in the literature. This variant has been identified in 2/282258 chromosomes in the general population by the Genome Aggregation Database (gnomAD). The available evidence is insufficient to determine the role of this variant in disease conclusively. Therefore, this variant is classified as a Variant of Uncertain Significance.

This study involves interpretation of variants in research participants for the purpose of population health screening. Participant phenotype was not available at the time of variant classification. Additional details can be found in publication PMID: 35346344, PMCID: PMC8962531

Literature cited by the submitters: PubMed 17576681 (cited by Labcorp Genetics (formerly Invitae), Labcorp); PubMed 9536098 (cited by Labcorp Genetics (formerly Invitae), Labcorp).